The following is an entry in ClinVar:

NM_000083.3(CLCN1):c.32del (p.Gly11fs)

Gene: CLCN1 (chloride voltage-gated channel 1; plus strand). Cytogenetic location: 7q34.
Variant type: Deletion.
Coding change: c.32del on transcript NM_000083.3 (MANE Select); coding-DNA position 32, one base deleted (G; older notation c.32delG).
Protein change: p.Gly11fs; shifts the reading frame from glycine 11.
Molecular consequence: frameshift variant. On other transcripts: non-coding transcript variant (1).
Genome position (GRCh38, 1-based): chr7:143,316,244, G deleted; the last of 5 consecutive G bases (chr7:143,316,240-143,316,244); deleting any one gives the same sequence. VCF-style (leftmost placement, unchanged base first): chr7-143316239-TG-T. GRCh37 (hg19) VCF-style: chr7-143013332-TG-T.
Other names: c.32delG (NM_000083.3, NM_000083.2); short protein forms G11fs.
Identifiers: ClinVar variation 2946205 (VCV002946205.5), dbSNP rs2487015109, ClinGen allele CA2579050451.
Genomic context (GRCh38, chr7:143,316,239, plus strand): 5'-GCCAAGGCCTGGCCGGGGCTCGGGGGGAGGGAATATGGAGCAATCCCGGTCACAGCAGCG[TG>T]GGGGTGAACAAAGCTGGTGGGGTAGTGACCCCCAGTACCAGTATATGCCCTTTGAACACT-3'

ClinVar aggregate classification (germline): Pathogenic/Likely pathogenic. Review status: criteria provided, multiple submitters, no conflicts (2 of 4 stars). 3 submissions from 3 submitters: Pathogenic (2); Likely pathogenic (1). Last evaluated 2025-12-12.

Conditions:
CLCN1-related disorder. Also called: CLCN1-related condition.
Congenital myotonia, autosomal dominant form (THD). Also called: THOMSEN DISEASE; Myotonia congenita autosomal dominant. Identifiers: Orphanet 614, MedGen C2936781, MONDO:0008055, OMIM 160800.
Congenital myotonia, autosomal recessive form. Also called: Becker Generalized Myotonia; myotonia congenita, autosomal recessive; BECKER DISEASE. Identifiers: Orphanet 614, MedGen C0751360, MONDO:0009715, OMIM 255700.

Submissions (3):

PreventionGenetics, part of Exact Sciences
Classification: Pathogenic for CLCN1-related condition. Last evaluated: 2025-12-12. Review status: criteria provided, single submitter. Criteria: ACMG Guidelines, 2015. Collection method: clinical testing. Allele origin: germline.
Comment: The CLCN1 c.32delG variant is predicted to result in a frameshift and premature protein termination (p.Gly11Valfs*66). This variant has been reported with a second CLCN1 nonsense variant in an individual with features of an autosomal recessive CLCN1-related disorder (Skálová et al. 2013. PubMed ID: 24349310). This variant has not been reported in a large population database (gnomAD), indicating this variant is rare. Frameshift variants in CLCN1 are expected to be pathogenic. This variant is interpreted as pathogenic for autosomal recessive CLCN1-related disorders.

Labcorp Genetics (formerly Invitae), Labcorp
Classification: Pathogenic for Congenital myotonia, autosomal recessive form; Congenital myotonia, autosomal dominant form. Last evaluated: 2025-06-20. Review status: criteria provided, single submitter. Criteria: Invitae Variant Classification Sherloc (09022015). Collection method: clinical testing. Allele origin: germline.
Comment: This sequence change creates a premature translational stop signal (p.Gly11Valfs*66) in the CLCN1 gene. It is expected to result in an absent or disrupted protein product. Loss-of-function variants in CLCN1 are known to be pathogenic (PMID: 17932099, 22094069, 23739125). This variant is not present in population databases (gnomAD no frequency). This premature translational stop signal has been observed in individual(s) with Becker disease (PMID: 24349310). ClinVar contains an entry for this variant (Variation ID: 2946205). For these reasons, this variant has been classified as Pathogenic.

Department Of Human Genetics, Institute Of Clinical And Translational Research, Biomedical Research Center, Slovak Academy Of Sciences
Classification: Likely pathogenic for Congenital myotonia, autosomal recessive form; Congenital myotonia, autosomal dominant form. Review status: criteria provided, single submitter. Criteria: ACMG Guidelines, 2015. Collection method: research. Allele origin: germline. Inheritance: Autosomal unknown. Affected: yes. Observed: 1 variant allele.
Comment: This variant has not been reported in dbSNP database, however, it is listed in the HGDM database as disease-causing variant CD1313408, and it has been published in PMID: 24349310. It is a frameshift/null variant that has been found only in one individual in gnomAD ExomesVersion: 4.0, indicating low frequency of f = 0.000000684.

Literature cited by the submitters: PubMed 17932099 (cited by Labcorp Genetics (formerly Invitae), Labcorp); PubMed 22094069 (cited by Labcorp Genetics (formerly Invitae), Labcorp); PubMed 23739125 (cited by Labcorp Genetics (formerly Invitae), Labcorp); PubMed 24349310 (cited by Labcorp Genetics (formerly Invitae), Labcorp and Department Of Human Genetics, Institute Of Clinical And Translational Research, Biomedical Research Center, Slovak Academy Of Sciences).